The following is an entry in ClinVar:

ClinVar aggregate classification (germline): Pathogenic (1 of 4 stars; one submission).

Conditions:
Maple syrup urine disease type 1A (MSUD1A). Also called: MSUD type 1A. Identifiers: MedGen C1855369, MONDO:0023691, OMIM 248600.

Submission:

Natera, Inc.
Classification: Pathogenic for Maple syrup urine disease type 1A. Last evaluated: 2025-12-02. Review status: criteria provided, single submitter. Criteria: Natera Variant Classification Schema (03/2026). Collection method: clinical testing. Allele origin: germline.
Comment: The c.703del variant in BCKDHA is a frameshift variant predicted to shift the reading frame beginning at codon 235 and leads to a stop codon 95 codons downstream. This variant is expected to result in nonsense mediated decay, truncation, or a dysfunctional protein product. This variant is rare in the general population with a frequency below the threshold expected for the associated phenotype(s). This variant has been observed in one or more individuals affected with the associated recessive disease, as either homozygous or compound heterozygous with a second variant (PMID: 31119508). Given the available evidence, this variant is classified as Pathogenic.

Literature cited by the submitters: PubMed 31119508.

NM_000709.4(BCKDHA):c.703del (p.Tyr235fs)

Gene: BCKDHA (branched chain keto acid dehydrogenase E1 subunit alpha; plus strand). Cytogenetic location: 19q13.2.
Variant type: Deletion.
Coding change: c.703del on transcript NM_000709.4 (MANE Select); coding-DNA position 703, one base deleted (T; older notation c.703delT).
Protein change: p.Tyr235fs; shifts the reading frame from tyrosine 235.
Molecular consequence: frameshift variant.
Genome position (GRCh38, 1-based): chr19:41,422,220, T deleted; the last of 2 consecutive T bases (chr19:41,422,219-41,422,220); deleting either gives the same sequence. VCF-style (leftmost placement, unchanged base first): chr19-41422218-GT-G. GRCh37 (hg19) VCF-style: chr19-41928123-GT-G.
Other names: c.703del, p.Tyr235fs (NM_001164783.2); short protein forms Y235fs.
Identifiers: ClinVar variation 4814472 (VCV004814472.1).
Genomic context (GRCh38, chr19:41,422,218, plus strand): 5'-CTGCAGCGGTGGGGGCGGCGTACGCAGCCAAGCGGGCCAATGCCAACAGGGTCGTCATCT[GT>G]TACTTCGGCGAGGGGGCAGCCAGTGAGGGGGACGCCCATGCCGGCTTCAACTTCGCTGCC-3'